The following is an entry in ClinVar:

ClinVar aggregate classification (germline): Uncertain significance (1 of 4 stars; one submission).

Conditions:
Spinocerebellar ataxia type 15/16 (SCA15). Also called: Spinocerebellar Ataxia Type 15. Identifiers: Orphanet 98769, MedGen C1847725, MONDO:0011694, OMIM 606658.
Spinocerebellar ataxia type 29 (SCA29). Also called: Spinocerebellar ataxia 29, congenital nonprogressive; CEREBELLAR ATAXIA, CONGENITAL NONPROGRESSIVE, AUTOSOMAL DOMINANT. Identifiers: Orphanet 208513, MedGen C1861732, MONDO:0007298, OMIM 117360.
Gillespie syndrome (GLSP). Also called: Aniridia, cerebellar ataxia, and mental deficiency; Aniridia-cerebellar ataxia-intellectual disability syndrome. Identifiers: Orphanet 1065, MedGen C0431401, MONDO:0008795, OMIM 206700.

Submission:

Juno Genomics, Hangzhou Juno Genomics, Inc
Classification: Uncertain significance for Spinocerebellar ataxia type 29; Gillespie syndrome; Spinocerebellar ataxia type 15/16. Review status: criteria provided, single submitter. Criteria: ACMG Guidelines, 2015. Collection method: clinical testing. Allele origin: germline.
Comment: Missense variant in a gene that has a low rate of benign missense variation.;Multiple lines of computational evidence support a deleterious effect on the gene or gene product.;Absent from controls (or at extremely low frequency if recessive) in Genome Aggregation Database.

NM_001378452.1(ITPR1):c.3121G>A (p.Glu1041Lys)

Gene: ITPR1 (inositol 1,4,5-trisphosphate receptor type 1; plus strand). Cytogenetic location: 3p26.1.
Variant type: single nucleotide variant.
Coding change: c.3121G>A on transcript NM_001378452.1 (MANE Select); coding-DNA position 3121, G replaced by A.
Protein change: p.Glu1041Lys; replaces glutamic acid 1041 with lysine.
Molecular consequence: missense variant.
Genome position (GRCh38, 1-based): chr3:4,681,378, G>A. VCF-style: chr3-4681378-G-A. GRCh37 (hg19) VCF-style: chr3-4723062-G-A.
Other names: c.3094G>A, p.Glu1032Lys (NM_001099952.4); c.3076G>A, p.Glu1026Lys (NM_001168272.2); c.3049G>A, p.Glu1017Lys (NM_002222.7); short protein forms E1017K, E1032K, E1041K, E1026K.
Identifiers: ClinVar variation 5006623 (VCV005006623.2).